The following is an entry in ClinVar:

ClinVar aggregate classification (germline): Benign (1 of 4 stars; one submission).

Conditions:
Familial cancer of breast. Also called: hereditary breast carcinoma; Hereditary breast cancer; BREAST CANCER, FAMILIAL. Identifiers: Orphanet 227535, MedGen C0346153, MONDO:0016419, OMIM 114480. Disease mechanism: loss of function.

Submission:

Myriad Genetics, Inc.
Classification: Benign for Familial cancer of breast. Last evaluated: 2024-08-28. Review status: criteria provided, single submitter. Criteria: Myriad Autosomal Dominant, Autosomal Recessive and X-Linked Classification Criteria (2023). Collection method: clinical testing. Allele origin: unknown.
Comment: This variant is considered benign. This variant is a silent/synonymous amino acid change and it is not expected to impact splicing.

NM_032043.3(BRIP1):c.1452T>C (p.Thr484=)

Gene: BRIP1 (BRCA1 interacting DNA helicase 1; minus strand). Cytogenetic location: 17q23.2.
Variant type: single nucleotide variant.
Coding change: c.1452T>C on transcript NM_032043.3 (MANE Select); coding-DNA position 1452, T replaced by C.
Protein change: p.Thr484=; no amino-acid change (threonine 484 retained).
Molecular consequence: synonymous variant.
Genome position (GRCh38, 1-based): chr17:61,793,618, A>G on the plus strand (T>C on the coding strand, the complement: BRIP1 is on the minus strand). VCF-style: chr17-61793618-A-G. GRCh37 (hg19) VCF-style: chr17-59870979-A-G.
Identifiers: ClinVar variation 3379323 (VCV003379323.1).